The following is an entry in ClinVar:

NM_032607.3(CREB3L3):c.285C>T (p.Ser95=)

Gene: CREB3L3 (cAMP responsive element binding protein 3 like 3; plus strand). Cytogenetic location: 19p13.3.
Variant type: single nucleotide variant.
Coding change: c.285C>T on transcript NM_032607.3 (MANE Select); coding-DNA position 285, C replaced by T.
Protein change: p.Ser95=; no amino-acid change (serine 95 retained).
Molecular consequence: synonymous variant.
Genome position (GRCh38, 1-based): chr19:4,157,123, C>T. VCF-style: chr19-4157123-C-T. GRCh37 (hg19) VCF-style: chr19-4157120-C-T.
Other names: c.282C>T, p.Ser94= (NM_001271995.2); c.285C>T, p.Ser95= (NM_001271996.2, NM_001271997.2).
Identifiers: ClinVar variation 2175338 (VCV002175338.29), dbSNP rs762230767, ClinGen allele CA505162652.

ClinVar aggregate classification (germline): Likely benign. Review status: criteria provided, multiple submitters, no conflicts (2 of 4 stars). 3 submissions from 3 submitters: Likely benign (3). Last evaluated 2023-11-27.

Submissions (3):

Blueprint Genetics
Classification: Likely benign. Last evaluated: 2023-11-27. Review status: criteria provided, single submitter. Criteria: ACMG Guidelines, 2015. Collection method: clinical testing. Allele origin: germline.

CeGaT Center for Human Genetics Tuebingen
Classification: Likely benign. Last evaluated: 2023-02-01. Review status: criteria provided, single submitter. Criteria: CeGaT Center For Human Genetics Tuebingen Variant Classification Criteria Version 2. Collection method: clinical testing. Allele origin: germline. Affected: yes. Observed: 1 variant allele.
Comment: CREB3L3: BP4, BP7

Labcorp Genetics (formerly Invitae), Labcorp
Classification: Likely benign. Last evaluated: 2022-09-24. Review status: criteria provided, single submitter. Criteria: Invitae Variant Classification Sherloc (09022015). Collection method: clinical testing. Allele origin: germline.